The following is an entry in ClinVar:

NM_001042492.3(NF1):c.2041C>T (p.Arg681Ter)

Gene: NF1 (neurofibromin 1; plus strand). Cytogenetic location: 17q11.2.
Variant type: single nucleotide variant.
Coding change: c.2041C>T on transcript NM_001042492.3 (MANE Select); coding-DNA position 2041, C replaced by T.
Protein change: p.Arg681Ter; replaces arginine 681 with a stop codon.
Molecular consequence: nonsense.
Genome position (GRCh38, 1-based): chr17:31,226,474, C>T. VCF-style: chr17-31226474-C-T. GRCh37 (hg19) VCF-style: chr17-29553492-C-T.
Other names: p.Arg681Ter; c.2041C>T, p.Arg681Ter (NM_000267.4); short protein forms R681*.
Identifiers: ClinVar variation 188280 (VCV000188280.45), dbSNP rs768638173, ClinGen allele CA334507.
Genomic context (GRCh38, chr17:31,226,474, plus strand): 5'-TCTTCCACCCTTGACTCTCAGGATAGTGCAGCAGGATGCAGCGGAACCCCCCCGATTTGC[C>T]GACAAGCCCAGACCAAACTAGAAGTGGCCCTGTACATGTTTCTGTGGAACCCTGACACTG-3'

ClinVar aggregate classification (germline): Pathogenic. Review status: criteria provided, multiple submitters, no conflicts (2 of 4 stars). 24 submissions from 24 submitters: Pathogenic (20). 4 of the submissions do not count toward it. Last evaluated 2026-09-30.

Conditions:
NF1-related disorder. Also called: NF1-related condition. Identifiers: MedGen CN379171.
Hereditary cancer-predisposing syndrome. Also called: Neoplastic Syndromes, Hereditary; Tumor predisposition; Hereditary Cancer Syndrome; Hereditary neoplastic syndrome. Identifiers: Orphanet 140162, MedGen C0027672, MeSH D009386, MONDO:0015356.
Cardiovascular phenotype. Identifiers: MedGen CN230736.
Neurofibromatosis, type 1 (NF1). Also called: VON RECKLINGHAUSEN DISEASE; NEUROFIBROMATOSIS, TYPE I, SOMATIC; Peripheral type neurofibromatosis; Neurofibromatosis, type I. Identifiers: Orphanet 636, MedGen C0027831, MONDO:0018975, OMIM 162200. Disease mechanism: loss of function.
Cafe-au-lait spot. Also called: Café au Lait; Café-au-lait spot; café-au-lait spots. Identifiers: MedGen C0221263, HP:0000957.
Axillary freckling. Identifiers: MedGen C1860335, HP:0000997.
Optic nerve glioma. Identifiers: MedGen C0346326, MONDO:0003235, HP:0009734.
Rhabdomyosarcoma. Also called: Rhabdomyosarcoma (disease). Identifiers: Orphanet 780, MedGen C0035412, MeSH D012208, MONDO:0005212, HP:0002859.

Allele frequency attached by ClinVar (database versions not stated): TOPMed 0.00001; gnomAD 0.00001; gnomAD exomes below 0.00001; ExAC 0.00001.
gnomAD v4.1: 4 of 1,613,672 alleles (0.00025%); highest among the groups gnomAD compares: African/African-American, 0.0013%; no homozygotes.

Submissions 1 to 14 of 24:

Myriad Genetics, Inc.
Classification: Pathogenic for Neurofibromatosis, type 1. Last evaluated: 2026-09-30. Review status: criteria provided, single submitter. Criteria: Myriad Autosomal Dominant, Autosomal Recessive and X-Linked Classification Criteria (2023). Collection method: clinical testing. Allele origin: unknown.
Comment: This variant is considered pathogenic. This variant creates a termination codon and is predicted to result in premature protein truncation.

Department of Genetics, Sultan Qaboos University Hospital
Classification: Pathogenic for Neurofibromatosis, type 1. Last evaluated: 2026-04-01. Review status: criteria provided, single submitter. Criteria: ACMG Guidelines, 2015. Collection method: clinical testing. Allele origin: germline. Affected: yes. Observed: 1 variant allele.
Comment: PVS1,PM2,PP5_Very_Strong

Labcorp Genetics (formerly Invitae), Labcorp
Classification: Pathogenic for Neurofibromatosis, type 1. Last evaluated: 2025-11-23. Review status: criteria provided, single submitter. Criteria: Invitae Variant Classification Sherloc (09022015). Collection method: clinical testing. Allele origin: germline.
Comment: This sequence change creates a premature translational stop signal (p.Arg681*) in the NF1 gene. It is expected to result in an absent or disrupted protein product. Loss-of-function variants in NF1 are known to be pathogenic (PMID: 10712197, 23913538). This variant is present in population databases (rs768638173, gnomAD 0.003%). This premature translational stop signal has been observed in individuals with neurofibromatosis type 1 (PMID: 10607834, 23404336, 25324867). Invitae Evidence Modeling of clinical and family history, age, sex, and reported ancestry of multiple individuals with this NF1 variant has been performed. This variant is expected to be pathogenic with a positive predictive value of at least 99%. This is a validated machine learning model that incorporates the clinical features of 1,785,918 individuals referred to our laboratory for NF1 testing. ClinVar contains an entry for this variant (Variation ID: 188280). For these reasons, this variant has been classified as Pathogenic.

Dasa
Classification: Pathogenic. Last evaluated: 2025-09-25. Review status: criteria provided, single submitter. Criteria: DASA Assertion Criteria. Collection method: clinical testing. Allele origin: germline.
Comment: NM_001042492.3(NF1):c.2041C>T (p.Arg681Ter) introduces a premature termination codon predicted to result in loss of normal protein function. Loss-of-function is an established mechanism of disease for this gene. Functional evidence supports a deleterious effect on the gene or gene product (PMID: 26908603; PMID: 27482814; PMID: 10607834; PMID: 23404336; PMID: 25324867). This variant has been recurrently observed in individuals with related phenotype (PMID: 26908603; PMID: 27482814; PMID: 10607834; PMID: 23404336; PMID: 25324867). The variant is present at low frequency in population datasets. Based on the available data, this variant is classified as pathogenic.

NHS Central & South Genomic Laboratory Hub
Classification: Pathogenic for Neurofibromatosis type 1. Last evaluated: 2024-07-01. Review status: criteria provided, single submitter. Criteria: ACMG Guidelines, 2015. Collection method: clinical testing. Allele origin: germline. Affected: yes.

Blueprint Genetics
Classification: Pathogenic for NF1-related disorders. Last evaluated: 2024-05-27. Review status: criteria provided, single submitter. Criteria: ACMG Guidelines, 2015. Collection method: clinical testing. Allele origin: germline. Affected: yes. Observed: 5 variant alleles.

3billion
Classification: Pathogenic for Neurofibromatosis, type 1. Last evaluated: 2024-02-01. Review status: criteria provided, single submitter. Criteria: ACMG Guidelines, 2015. Collection method: clinical testing. Allele origin: germline. Affected: yes.
Comment: The variant is observed at an extremely low frequency in the gnomAD v2.1.1 dataset (total allele frequency: <0.001%). Predicted Consequence/Location: Stop-gained (nonsense): predicted to result in a loss or disruption of normal protein function through nonsense-mediated decay (NMD) or protein truncation. Multiple pathogenic variants are reported downstream of the variant. The variant has been reported at least twice as pathogenic with clinical assertions and evidence for the classification (ClinVar ID: VCV000188280 /PMID: 10607834 /3billion dataset). Therefore, this variant is classified as Pathogenic according to the recommendation of ACMG/AMP guideline.

Institute of Medical Genetics and Applied Genomics, University Hospital Tübingen
Classification: Pathogenic for Neurofibromatosis, type 1. Last evaluated: 2023-05-17. Review status: criteria provided, single submitter. Criteria: ACMG Guidelines, 2015. Collection method: clinical testing. Allele origin: germline. Inheritance: Autosomal dominant inheritance. Affected: yes.

MGZ Medical Genetics Center
Classification: Pathogenic for Neurofibromatosis, type 1. Last evaluated: 2022-06-07. Review status: criteria provided, single submitter. Criteria: ACMG Guidelines, 2015. Collection method: clinical testing. Allele origin: germline. Affected: yes. Observed: 1 variant allele.
Comment: ACMG criteria applied: PVS1, PS4_MOD, PS3_SUP, PM2_SUP

GeneDx
Classification: Pathogenic. Last evaluated: 2022-05-25. Review status: criteria provided, single submitter. Criteria: GeneDx Variant Classification Process June 2021. Collection method: clinical testing. Allele origin: germline. Affected: yes.
Comment: Nonsense variant predicted to result in protein truncation or nonsense mediated decay in a gene for which loss-of-function is a known mechanism of disease; Published functional studies demonstrate a damaging effect: reduced or absent protein expression and increased ERK phosphorylation/activation (Li 2016, Toonen 2016); This variant is associated with the following publications: (PMID: 25525159, 28881745, 26457647, 23404336, 26908603, 27171602, 25324867, 25325900, 28955729, 29522274, 31730495, 31533651, 31717729, 28124441, 10607834, 17668375, 19142971, 26973730, 16944272, 26666878, 22190595, 16941471, 21354044, 21031597, 18546366, 29415745, 31370276, 31776437, 33372952, 27482814, 33674644, 35547262)

Genome-Nilou Lab
Classification: Pathogenic for Neurofibromatosis, type 1. Last evaluated: 2022-03-15. Review status: criteria provided, single submitter. Criteria: ACMG Guidelines, 2015. Collection method: clinical testing. Allele origin: germline. Affected: no.

Ambry Genetics
Classification: Pathogenic for Cardiovascular phenotype; Hereditary cancer-predisposing syndrome. Last evaluated: 2022-02-08. Review status: criteria provided, single submitter. Criteria: Ambry General Variant Classification Scheme_2022. Collection method: clinical testing. Allele origin: germline. Observed: 1 variant allele.
Comment: The p.R681* pathogenic mutation (also known as c.2041C>T), located in coding exon 18 of the NF1 gene, results from a C to T substitution at nucleotide position 2041. This changes the amino acid from an arginine to a stop codon within coding exon 18. This alteration has been identified in several individuals meeting NIH diagnostic criteria for neurofibromatosis type 1 (NF1) ( Ars E et al, Hum. Mol. Genet. 2000 Jan; Violante IR et al. Brain 2013 Mar;136(Pt 3):918-25 Maruoka R et al. Genet Test Mol Biomarkers, 2014 Nov;18:722-35; Zafar R et al. Radiol Case Rep, 2016 Mar;11:33-5; 9(2):237-47; Yao R et al. Genes (Basel), 2019 10;10:; N Abdel-Aziz N et al. Mol Genet Genomic Med, 2021 12;9:e1631). In addition, several functional studies have shown that this mutation causes reduced protein expression and can contribute to the development of optic gliomas and neurofibromas (Li K et al. Dis Model Mech, 2016 Jul;9:759-67; Toonen JA et al. Hum. Mol. Genet., 2016 May;25:1703-13; Gutmann DH. Expert Rev Neurother, 2016 Sep;16:999-1001). In addition to the clinical data presented in the literature, this alteration is expected to result in loss of function by premature protein truncation or nonsense-mediated mRNA decay. As such, this alteration is interpreted as a disease-causing mutation.

Greenwood Genetic Center Diagnostic Laboratories, Greenwood Genetic Center
Classification: Pathogenic for Neurofibromatosis, type 1. Last evaluated: 2021-10-18. Review status: criteria provided, single submitter. Criteria: ACMG Guidelines, 2015. Collection method: clinical testing. Allele origin: germline. Affected: yes.
Comment: PVS1, PS4, PM2

Athena Diagnostics
Classification: Pathogenic. Last evaluated: 2021-07-14. Review status: criteria provided, single submitter. Criteria: Athena Diagnostics Criteria. Collection method: clinical testing. Allele origin: unknown.
Comment: This variant is expected to result in the loss of a functional protein. The frequency of this variant in the general population is consistent with pathogenicity. This variant has been identified in at least one individual with clinical features associated with this gene. Assessment of experimental evidence suggests this variant results in abnormal protein function. Around 20% of control neurofibromin levels are expressed (PMID: 27171602 (2016)).